The following is an entry in ClinVar:

NM_182931.3(KMT2E):c.1785_1786del (p.Arg597fs)

Gene: KMT2E (lysine methyltransferase 2E (inactive); plus strand). Cytogenetic location: 7q22.3.
Variant type: Microsatellite.
Coding change: c.1785_1786del on transcript NM_182931.3 (MANE Select); coding-DNA positions 1785 to 1786, 2 bases deleted (GA; older notation c.1785_1786delGA).
Protein change: p.Arg597fs; shifts the reading frame from arginine 597.
Molecular consequence: frameshift variant.
Genome position (GRCh38, 1-based): chr7:105,101,487-105,101,488, GA deleted; deleting any 2 consecutive bases within chr7:105,101,480-105,101,488 gives the same sequence; the c. name uses the placement nearest the transcript's 3' end. VCF-style (leftmost placement, unchanged base first): chr7-105101479-AAG-A. GRCh37 (hg19) VCF-style: chr7-104741926-AAG-A.
Other names: c.1779_1780GA[3], p.Arg597Lysfs (NM_001410908.1); c.1785_1786del, p.Arg597fs (NM_018682.4); short protein forms R597fs.
Identifiers: ClinVar variation 1708384 (VCV001708384.2), dbSNP rs2536490764, ClinGen allele CA2580617060.

ClinVar aggregate classification (germline): Pathogenic (1 of 4 stars; one submission).

Submission:

Centre of Medical Genetics, University Hospital Muenster
Classification: Pathogenic. Last evaluated: 2021-12-08. Review status: criteria provided, single submitter. Criteria: ACMG Guidelines, 2015. Collection method: clinical testing. Allele origin: unknown. Affected: yes. Observed: 1 variant allele, 1 heterozygote.
Comment: ACMG categories: PVS1,PM2,PP3